The following is an entry in ClinVar:

NM_000642.3(AGL):c.4450G>T (p.Val1484Phe)

Gene: AGL (amylo-alpha-1,6-glucosidase and 4-alpha-glucanotransferase; plus strand). Cytogenetic location: 1p21.2.
Variant type: single nucleotide variant.
Coding change: c.4450G>T on transcript NM_000642.3 (MANE Select); coding-DNA position 4450, G replaced by T.
Protein change: p.Val1484Phe; replaces valine 1484 with phenylalanine.
Molecular consequence: missense variant.
Genome position (GRCh38, 1-based): chr1:99,916,700, G>T. VCF-style: chr1-99916700-G-T. GRCh37 (hg19) VCF-style: chr1-100382256-G-T.
Other names: c.4450G>T, p.Val1484Phe (NM_000028.3, NM_000643.3, NM_000644.3 and 1 more transcripts); c.4402G>T, p.Val1468Phe (NM_000646.3); c.4429G>T, p.Val1477Phe (NM_001425326.1); c.4249G>T, p.Val1417Phe (NM_001425327.1); c.4246G>T, p.Val1416Phe (NM_001425328.1); c.4111G>T, p.Val1371Phe (NM_001425329.1); c.4072G>T, p.Val1358Phe (NM_001425332.1); short protein forms V1468F, V1484F, V1358F, V1371F, V1416F, V1417F, V1477F.
Identifiers: ClinVar variation 956426 (VCV000956426.7), dbSNP rs75076115, ClinGen allele CA341342608.

ClinVar aggregate classification (germline): Uncertain significance (1 of 4 stars; one submission).

Conditions:
Glycogen storage disease type III (GSD3). Also called: Cori disease; FORBES DISEASE. Identifiers: Orphanet 366, MedGen C0017922, MONDO:0009291, OMIM 232400.

gnomAD v4.1: 2 of 1,613,260 alleles (0.00012%); highest among the groups gnomAD compares: Non-Finnish European, 0.000085%; no homozygotes.

Submission:

Labcorp Genetics (formerly Invitae), Labcorp
Classification: Uncertain significance for Glycogen storage disease type III. Last evaluated: 2019-09-13. Review status: criteria provided, single submitter. Criteria: Invitae Variant Classification Sherloc (09022015). Collection method: clinical testing. Allele origin: germline.
Comment: This sequence change replaces valine with phenylalanine at codon 1484 of the AGL protein (p.Val1484Phe). The valine residue is moderately conserved and there is a small physicochemical difference between valine and phenylalanine. In summary, the available evidence is currently insufficient to determine the role of this variant in disease. Therefore, it has been classified as a Variant of Uncertain Significance. Algorithms developed to predict the effect of missense changes on protein structure and function (SIFT, PolyPhen-2, Align-GVGD) all suggest that this variant is likely to be tolerated, but these predictions have not been confirmed by published functional studies and their clinical significance is uncertain. This variant has not been reported in the literature in individuals with AGL-related conditions. This variant is not present in population databases (ExAC no frequency).